The following is an entry in ClinVar:

ClinVar aggregate classification (germline): Conflicting classifications of pathogenicity. Review status: criteria provided, conflicting classifications (1 of 4 stars). 17 submissions from 16 submitters: Uncertain significance (2); Benign (2); Likely benign (10). 3 of the submissions do not count toward it. Last evaluated 2026-01-27.

Conditions:
PRKAG2-related disorder. Also called: PRKAG2-related condition; PRKAG2-related disorders.
Cardiovascular phenotype. Identifiers: MedGen CN230736.
Cardiomyopathy (CMYO). Also called: Cardiomyopathies. Identifiers: Orphanet 167848, MedGen C0878544, MONDO:0004994, HP:0001638. Inheritance: Various modes of inheritance.
Lethal congenital glycogen storage disease of heart. Also called: GLYCOGEN STORAGE DISEASE OF HEART; PHOSPHORYLASE KINASE DEFICIENCY OF HEART. Identifiers: Orphanet 439854, MedGen C1849813, MONDO:0009867, OMIM 261740.
Hypertrophic cardiomyopathy 6. Identifiers: MedGen C1833236, MONDO:0010946, OMIM 600858.
Wolff-Parkinson-White pattern. Also called: Auriculoventricular accessory pathway syndrome; False bundle branch block syndrome; Anomalous ventricular excitation syndrome; WPW SYNDROME. Identifiers: MedGen C0043202, MONDO:0008685, OMIM 194200, HP:0001716.

Allele frequency attached by ClinVar (database versions not stated): ESP Exome Variant Server 0.00023; TOPMed 0.00025.
gnomAD v4.1: 845 of 1,612,480 alleles (0.052%); highest among the groups gnomAD compares: Non-Finnish European, 0.065%; no homozygotes.

Submissions (17):

Labcorp Genetics (formerly Invitae), Labcorp
Classification: Likely benign for Lethal congenital glycogen storage disease of heart. Last evaluated: 2026-01-27. Review status: criteria provided, single submitter. Criteria: Invitae Variant Classification Sherloc (09022015). Collection method: clinical testing. Allele origin: germline.

PreventionGenetics, part of Exact Sciences
Classification: Likely benign for PRKAG2-related condition. Last evaluated: 2025-06-18. Review status: criteria provided, single submitter. Criteria: ACMG Guidelines, 2015. Collection method: clinical testing. Allele origin: germline.
Comment: This variant is classified as likely benign based on ACMG/AMP sequence variant interpretation guidelines (Richards et al. 2015 PMID: 25741868, with internal and published modifications).

Mayo Clinic Laboratories, Mayo Clinic
Classification: Likely benign. Last evaluated: 2025-04-24. Review status: criteria provided, single submitter. Criteria: ACMG Guidelines, 2015. Collection method: clinical testing. Allele origin: germline. Observed: 4 variant alleles.
Comment: BS1, BP4, BP7

Molecular Diagnostic Laboratory for Inherited Cardiovascular Disease, Montreal Heart Institute
Classification: Likely benign. Last evaluated: 2025-04-09. Review status: criteria provided, single submitter. Criteria: ACMG Guidelines, 2015. Collection method: clinical testing. Allele origin: germline. Affected: no.

Blueprint Genetics
Classification: Likely benign. Last evaluated: 2024-11-08. Review status: criteria provided, single submitter. Criteria: ACMG Guidelines, 2015. Collection method: clinical testing. Allele origin: germline.

CeGaT Center for Human Genetics Tuebingen
Classification: Likely benign. Last evaluated: 2024-10-01. Review status: criteria provided, single submitter. Criteria: CeGaT Center For Human Genetics Tuebingen Variant Classification Criteria Version 2. Collection method: clinical testing. Allele origin: germline. Affected: yes. Observed: 3 variant alleles.
Comment: PRKAG2: BP4, BP7

CHEO Genetics Diagnostic Laboratory, Children's Hospital of Eastern Ontario
Classification: Likely benign for Cardiomyopathy. Last evaluated: 2023-04-03. Review status: criteria provided, single submitter. Criteria: ACMG Guidelines, 2015. Collection method: clinical testing. Allele origin: germline. Study: Canadian Open Genetics Repository.

Women's Health and Genetics/Laboratory Corporation of America, LabCorp
Classification: Benign. Last evaluated: 2023-01-29. Review status: criteria provided, single submitter. Criteria: LabCorp Variant Classification Summary - May 2015. Collection method: clinical testing. Allele origin: germline.

Color Diagnostics, LLC DBA Color Health
Classification: Likely benign for Cardiomyopathy. Last evaluated: 2018-09-14. Review status: criteria provided, single submitter. Criteria: ACMG Guidelines, 2015. Collection method: clinical testing. Allele origin: germline.

Illumina Laboratory Services, Illumina
Classification: Uncertain significance for Hypertrophic cardiomyopathy 6. Last evaluated: 2017-04-27. Review status: criteria provided, single submitter. Criteria: ICSL Variant Classification Criteria 13 December 2019. Collection method: clinical testing. Allele origin: germline.

Illumina Laboratory Services, Illumina
Classification: Uncertain significance for Wolff-Parkinson-White pattern. Last evaluated: 2017-04-27. Review status: criteria provided, single submitter. Criteria: ICSL Variant Classification Criteria 13 December 2019. Collection method: clinical testing. Allele origin: germline.

Ambry Genetics
Classification: Likely benign for Cardiovascular phenotype. Last evaluated: 2017-03-14. Review status: criteria provided, single submitter. Criteria: Ambry Variant Classification Scheme 2023. Collection method: clinical testing. Allele origin: germline.

GeneDx
Classification: Benign. Last evaluated: 2016-09-08. Review status: criteria provided, single submitter. Criteria: GeneDx Variant Classification (06012015). Collection method: clinical testing. Allele origin: germline. Affected: yes.
Comment: This variant is considered likely benign or benign based on one or more of the following criteria: it is a conservative change, it occurs at a poorly conserved position in the protein, it is predicted to be benign by multiple in silico algorithms, and/or has population frequency not consistent with disease.

Laboratory for Molecular Medicine, Mass General Brigham Personalized Medicine
Classification: Likely benign. Last evaluated: 2013-06-08. Review status: criteria provided, single submitter. Criteria: LMM Criteria. Collection method: clinical testing. Allele origin: germline. Observed: 4 variant alleles.
Comment: Ser157Ser in exon 4 of PRKAG2: This variant is not expected to have clinical sig nificance because it is does not alter an amino acid residue and is not located within the splice consensus sequence. It has been identified in 2/8600 European American chromosomes and 1/4406 African American chromosomes by the NHLBI Exome Sequencing Project (dbSNP rs141804012). Ser1 57Ser in exon 4 of PRKAG2 (rs141804012; allele frequency = 2/8600) **

Clinical Genetics DNA and cytogenetics Diagnostics Lab, Erasmus MC, Erasmus Medical Center
Classification: Likely benign. Review status: no assertion criteria provided. Collection method: clinical testing. Allele origin: germline. Affected: yes. Study: VKGL Data-share Consensus. Not counted in ClinVar's aggregate classification.

Clinical Genetics, Academic Medical Center
Classification: Benign. Review status: no assertion criteria provided. Collection method: clinical testing. Allele origin: germline. Affected: yes. Study: VKGL Data-share Consensus. Not counted in ClinVar's aggregate classification.

Genome Diagnostics Laboratory, University Medical Center Utrecht
Classification: Likely benign. Review status: no assertion criteria provided. Collection method: clinical testing. Allele origin: germline. Affected: yes. Study: VKGL Data-share Consensus. Not counted in ClinVar's aggregate classification.

NM_016203.4(PRKAG2):c.471C>T (p.Ser157=)

Gene: PRKAG2 (protein kinase AMP-activated non-catalytic subunit gamma 2; minus strand). Cytogenetic location: 7q36.1.
Variant type: single nucleotide variant.
Coding change: c.471C>T on transcript NM_016203.4 (MANE Select); coding-DNA position 471, C replaced by T.
Protein change: p.Ser157=; no amino-acid change (serine 157 retained).
Molecular consequence: synonymous variant.
Genome position (GRCh38, 1-based): chr7:151,675,633, G>A on the plus strand (C>T on the coding strand, the complement: PRKAG2 is on the minus strand). VCF-style: chr7-151675633-G-A. GRCh37 (hg19) VCF-style: chr7-151372719-G-A.
Other names: p.S157S:TCC>TCT; p.Ser157=; c.339C>T, p.Ser113= (NM_001040633.2); c.99C>T, p.Ser33= (NM_001304527.2, NM_001363698.2).
Identifiers: ClinVar variation 45721 (VCV000045721.77), dbSNP rs141804012, ClinGen allele CA014249.